The following is an entry in ClinVar:

ClinVar aggregate classification (germline): Uncertain significance. Review status: criteria provided, multiple submitters, no conflicts (2 of 4 stars). 3 submissions from 3 submitters: Uncertain significance (3). Last evaluated 2025-10-17.

Conditions:
Inborn genetic diseases. Identifiers: MedGen C0950123, MeSH D030342.

gnomAD v4.1: 8 of 1,613,830 alleles (0.0005%); highest among the groups gnomAD compares: Middle Eastern, 0.016%; no homozygotes.

Submissions (3):

Mayo Clinic Laboratories, Mayo Clinic
Classification: Uncertain significance. Last evaluated: 2025-10-17. Review status: criteria provided, single submitter. Criteria: ACMG Guidelines, 2015. Collection method: clinical testing. Allele origin: germline. Observed: 1 variant allele.
Comment: BP4

CeGaT Center for Human Genetics Tuebingen
Classification: Uncertain significance. Last evaluated: 2024-02-01. Review status: criteria provided, single submitter. Criteria: CeGaT Center For Human Genetics Tuebingen Variant Classification Criteria Version 2. Collection method: clinical testing. Allele origin: germline. Affected: yes. Observed: 1 variant allele.
Comment: PDGFB: PM2, BP4

Ambry Genetics
Classification: Uncertain significance for Inborn genetic diseases. Last evaluated: 2023-12-14. Review status: criteria provided, single submitter. Criteria: Ambry Variant Classification Scheme 2023. Collection method: clinical testing. Allele origin: germline.

NM_002608.4(PDGFB):c.478C>T (p.Arg160Trp)

Gene: PDGFB (platelet derived growth factor subunit B; minus strand). Cytogenetic location: 22q13.1.
Variant type: single nucleotide variant.
Coding change: c.478C>T on transcript NM_002608.4 (MANE Select); coding-DNA position 478, C replaced by T.
Protein change: p.Arg160Trp; replaces arginine 160 with tryptophan.
Molecular consequence: missense variant.
Genome position (GRCh38, 1-based): chr22:39,230,207, G>A on the plus strand (C>T on the coding strand, the complement: PDGFB is on the minus strand). VCF-style: chr22-39230207-G-A. GRCh37 (hg19) VCF-style: chr22-39626212-G-A.
Other names: p.Arg160Trp; c.433C>T, p.Arg145Trp (NM_033016.3); c.478C>T (NM_002608.2); short protein forms R145W, R160W.
Identifiers: ClinVar variation 3026228 (VCV003026228.23), dbSNP rs773106218, ClinGen allele CA10240091.